The following is an entry in ClinVar:

ClinVar aggregate classification (germline): Conflicting classifications of pathogenicity. Review status: criteria provided, conflicting classifications (1 of 4 stars). 4 submissions from 4 submitters: Uncertain significance (2); Likely benign (1). 1 of the submissions does not count toward it. Last evaluated 2024-11-26.

Conditions:
Retinal dystrophy. Also called: Inherited retinal dystrophy. Identifiers: Orphanet 71862, MedGen C0854723, MeSH D058499, MONDO:0019118, HP:0000556.

Allele frequency attached by ClinVar (database versions not stated): ExAC 0.00011; 1000 Genomes Project 30x 0.00016; 1000 Genomes Project 0.00020; gnomAD exomes 0.00050; gnomAD 0.00058 and 0.00063; TOPMed 0.00068.

Submissions (4):

Blueprint Genetics
Classification: Likely benign. Last evaluated: 2024-11-26. Review status: criteria provided, single submitter. Criteria: ACMG Guidelines, 2015. Collection method: clinical testing. Allele origin: germline.

Labcorp Genetics (formerly Invitae), Labcorp
Classification: Uncertain significance. Last evaluated: 2022-11-01. Review status: criteria provided, single submitter. Criteria: Invitae Variant Classification Sherloc (09022015). Collection method: clinical testing. Allele origin: germline.
Comment: This sequence change replaces arginine, which is basic and polar, with tryptophan, which is neutral and slightly polar, at codon 429 of the SAMD11 protein (p.Arg429Trp). This variant is present in population databases (rs546721340, gnomAD 0.1%), and has an allele count higher than expected for a pathogenic variant. This variant has not been reported in the literature in individuals affected with SAMD11-related conditions. ClinVar contains an entry for this variant (Variation ID: 860462). Algorithms developed to predict the effect of missense changes on protein structure and function are either unavailable or do not agree on the potential impact of this missense change (SIFT: "Deleterious"; PolyPhen-2: "Possibly Damaging"; Align-GVGD: "Class C0"). In summary, the available evidence is currently insufficient to determine the role of this variant in disease. Therefore, it has been classified as a Variant of Uncertain Significance.

Ambry Genetics
Classification: Uncertain significance. Last evaluated: 2021-09-16. Review status: criteria provided, single submitter. Criteria: Ambry Variant Classification Scheme 2023. Collection method: clinical testing. Allele origin: germline.

Institute of Human Genetics, Univ. Regensburg, Univ. Regensburg
Classification: Uncertain significance for Retinal dystrophy. Last evaluated: 2022-01-01. Review status: no assertion criteria provided. Criteria: ACMG Guidelines, 2015. Collection method: clinical testing. Allele origin: germline. Affected: yes. Not counted in ClinVar's aggregate classification.

NM_001385641.1(SAMD11):c.1774C>T (p.Arg592Trp)

Gene: SAMD11 (sterile alpha motif domain containing 11; plus strand). Cytogenetic location: 1p36.33.
Variant type: single nucleotide variant.
Coding change: c.1774C>T on transcript NM_001385641.1 (MANE Select); coding-DNA position 1774, C replaced by T.
Protein change: p.Arg592Trp; replaces arginine 592 with tryptophan.
Molecular consequence: missense variant.
Genome position (GRCh38, 1-based): chr1:942,779, C>T. VCF-style: chr1-942779-C-T. GRCh37 (hg19) VCF-style: chr1-878159-C-T.
Other names: c.1777C>T, p.Arg593Trp (NM_001385640.1); c.1285C>T, p.Arg429Trp (NM_152486.4); short protein forms R429W, R592W, R593W.
Identifiers: ClinVar variation 860462 (VCV000860462.8), dbSNP rs546721340, ClinGen allele CA502991.